The following is an entry in ClinVar:

NM_001110556.2(FLNA):c.7023+1G>T

Gene: FLNA (filamin A; minus strand). Cytogenetic location: Xq28.
Variant type: single nucleotide variant.
Coding change: c.7023+1G>T on transcript NM_001110556.2 (MANE Select); the canonical splice donor site of the intron after coding-DNA position 7023, G replaced by T.
Molecular consequence: splice donor variant.
Genome position (GRCh38, 1-based): chrX:154,351,580, C>A on the plus strand (G>T on the coding strand, the complement: FLNA is on the minus strand). VCF-style: chrX-154351580-C-A. GRCh37 (hg19) VCF-style: chrX-153579948-C-A.
Other names: c.6999+1G>T (NM_001456.4).
Identifiers: ClinVar variation 1499488 (VCV001499488.8), dbSNP rs2148102980, ClinGen allele CA415185444.

ClinVar aggregate classification (germline): Likely pathogenic (1 of 4 stars; one submission).

Conditions:
Oto-palato-digital syndrome, type II (OPD2). Also called: FACIOPALATOOSSEOUS SYNDROME; OPD II SYNDROME; Otopalatodigital Syndrome, Type II; Otopalatodigital Syndrome Type 2 (FLNA-OPD2). Identifiers: Orphanet 669, Orphanet 90652, MedGen C1844696, MONDO:0010571, OMIM 304120.
Heterotopia, periventricular, X-linked dominant (PVNH1). Also called: PERIVENTRICULAR NODULAR HETEROTOPIA 4; HETEROTOPIA, PERIVENTRICULAR, 1; PERIVENTRICULAR NODULAR HETEROTOPIA 1; X-linked periventricular heterotopia. Identifiers: Orphanet 2149, Orphanet 82004, MedGen C1848213, MONDO:0010233, OMIM 300049.
Melnick-Needles syndrome (MNS). Also called: MELNICK-NEEDLES OSTEODYSPLASTY; OSTEODYSPLASTY OF MELNICK AND NEEDLES; Melnick-Needles Syndrome (FLNA-MNS). Identifiers: Orphanet 2484, MedGen C0025237, MONDO:0010650, OMIM 309350.
Frontometaphyseal dysplasia (FMD1). Identifiers: Orphanet 1826, MedGen C0265293, MONDO:0015942.

Submission:

Labcorp Genetics (formerly Invitae), Labcorp
Classification: Likely pathogenic for Oto-palato-digital syndrome, type II; Heterotopia, periventricular, X-linked dominant; Frontometaphyseal dysplasia; Melnick-Needles syndrome. Last evaluated: 2021-06-25. Review status: criteria provided, single submitter. Criteria: Invitae Variant Classification Sherloc (09022015). Collection method: clinical testing. Allele origin: germline.
Comment: This variant is not present in population databases (ExAC no frequency). In summary, the currently available evidence indicates that the variant is pathogenic, but additional data are needed to prove that conclusively. Therefore, this variant has been classified as Likely Pathogenic. Algorithms developed to predict the effect of sequence changes on RNA splicing suggest that this variant may disrupt the consensus splice site, but this prediction has not been confirmed by published transcriptional studies. This variant has been observed in individual(s) with clinical features of periventricular nodular heterotopia (Invitae). This sequence change affects a donor splice site in intron 42 of the FLNA gene. It is expected to disrupt RNA splicing. Variants that disrupt the donor or acceptor splice site typically lead to a loss of protein function (PMID: 16199547), and loss-of-function variants in FLNA are known to be pathogenic (PMID: 16684786, 20730588, 26471271).

Literature cited by the submitters: PubMed 16199547; PubMed 16684786; PubMed 20730588; PubMed 26471271.